The following is an entry in ClinVar:

ClinVar aggregate classification (germline): Pathogenic (1 of 4 stars; one submission).

Conditions:
Neuronopathy, distal hereditary motor, autosomal recessive 4. Also called: NEUROPATHY, DISTAL HEREDITARY MOTOR, AUTOSOMAL RECESSIVE 4; Autosomal recessive lower motor neuron disease with childhood onset. Identifiers: Orphanet 206580, MedGen C1970211, MONDO:0012608, OMIM 611067.
Charcot-Marie-Tooth disease recessive intermediate C. Also called: CHARCOT-MARIE-TOOTH NEUROPATHY, RECESSIVE INTERMEDIATE C. Identifiers: Orphanet 369867, MedGen C3809309, MONDO:0014154, OMIM 615376.

Submission:

Labcorp Genetics (formerly Invitae), Labcorp
Classification: Pathogenic for Neuronopathy, distal hereditary motor, autosomal recessive 4; Charcot-Marie-Tooth disease recessive intermediate C. Last evaluated: 2019-01-03. Review status: criteria provided, single submitter. Criteria: Invitae Variant Classification Sherloc (09022015). Collection method: clinical testing. Allele origin: germline.
Comment: This variant is not present in population databases (ExAC no frequency). This variant has not been reported in the literature in individuals with PLEKHG5-related conditions. Loss-of-function variants in PLEKHG5 are known to be pathogenic (PMID: 17564964, 23777631). For these reasons, this variant has been classified as Pathogenic. This sequence change creates a premature translational stop signal (p.Lys597Argfs*18) in the PLEKHG5 gene. It is expected to result in an absent or disrupted protein product.

Literature cited by the submitters: PubMed 17564964; PubMed 23777631.

NM_020631.6(PLEKHG5):c.1788del (p.Lys597fs)

Gene: PLEKHG5 (pleckstrin homology and RhoGEF domain containing G5; minus strand). Cytogenetic location: 1p36.31.
Variant type: Deletion.
Coding change: c.1788del on transcript NM_020631.6 (MANE Select); coding-DNA position 1788, one base deleted (G; older notation c.1788delG).
Protein change: p.Lys597fs; shifts the reading frame from lysine 597.
Molecular consequence: frameshift variant.
Genome position (GRCh38, 1-based): chr1:6,470,248, C deleted on the plus strand (G on the coding strand, the reverse complement: PLEKHG5 is on the minus strand); the first of 4 consecutive C bases (chr1:6,470,248-6,470,251); deleting any one gives the same sequence. VCF-style (leftmost placement, unchanged base first): chr1-6470247-TC-T. GRCh37 (hg19) VCF-style: chr1-6530307-TC-T.
Other names: c.1899del, p.Lys634fs (NM_001042663.3, NM_001265592.2); c.1785delG, p.Lys597Argfs (NM_001042664.2, NM_001042665.2, NM_001265594.3); c.1992delG, p.Lys666Argfs (NM_001265593.2); c.1788del, p.Lys597fs (NM_198681.4); short protein forms K597fs, K666fs, K634fs.
Identifiers: ClinVar variation 859523 (VCV000859523.8), dbSNP rs1644525008, ClinGen allele CA916080221.